The following is an entry in ClinVar:

NM_000093.5(COL5A1):c.2089-8G>A

Gene: COL5A1 (collagen type V alpha 1 chain; plus strand). Cytogenetic location: 9q34.3.
Variant type: single nucleotide variant.
Coding change: c.2089-8G>A on transcript NM_000093.5 (MANE Select); 8 bases into the intron before coding-DNA position 2089, G replaced by A.
Molecular consequence: intron variant.
Genome position (GRCh38, 1-based): chr9:134,766,446, G>A. VCF-style: chr9-134766446-G-A. GRCh37 (hg19) VCF-style: chr9-137658292-G-A.
Other names: c.2089-8G>A (NM_001278074.1).
Identifiers: ClinVar variation 418143 (VCV000418143.19), dbSNP rs368595229, ClinGen allele CA5319156.

ClinVar aggregate classification (germline): Conflicting classifications of pathogenicity. Review status: criteria provided, conflicting classifications (1 of 4 stars). 4 submissions from 4 submitters: Uncertain significance (1); Likely benign (2). 1 of the submissions does not count toward it. Last evaluated 2026-04-07.

Conditions:
Ehlers-Danlos syndrome, classic type, 1 (EDSCL1). Also called: EHLERS-DANLOS SYNDROME, GRAVIS TYPE; EHLERS-DANLOS SYNDROME, SEVERE CLASSIC TYPE; Ehlers-Danlos Syndrome, Classic Type, COL5A1-Related; EDS I; Ehlers-Danlos syndrome, type 1. Identifiers: MedGen C0268335, MONDO:0019567, OMIM 130000.
COL5A1-related disorder. Also called: COL5A1-related condition.

Allele frequency attached by ClinVar (database versions not stated): ExAC 0.00004; TOPMed 0.00017; gnomAD exomes 0.00003; gnomAD 0.00011 and 0.00014; ESP Exome Variant Server 0.00015.
gnomAD v4.1: 35 of 1,613,872 alleles (0.0022%); highest among the groups gnomAD compares: African/African-American, 0.021%; no homozygotes.

Submissions (4):

Women's Health and Genetics/Laboratory Corporation of America, LabCorp
Classification: Likely benign. Last evaluated: 2026-04-07. Review status: criteria provided, single submitter. Criteria: LabCorp Variant Classification Summary - May 2015. Collection method: clinical testing. Allele origin: germline.

Labcorp Genetics (formerly Invitae), Labcorp
Classification: Likely benign for Ehlers-Danlos syndrome, classic type, 1. Last evaluated: 2026-01-15. Review status: criteria provided, single submitter. Criteria: Invitae Variant Classification Sherloc (09022015). Collection method: clinical testing. Allele origin: germline.

GeneDx
Classification: Uncertain significance. Last evaluated: 2019-07-09. Review status: criteria provided, single submitter. Criteria: GeneDx Variant Classification Process June 2021. Collection method: clinical testing. Allele origin: germline. Affected: yes.
Comment: Has not been previously published as pathogenic or benign to our knowledge; In-silico analysis, which includes splice predictors and evolutionary conservation, is inconclusive as to whether the variant alters gene splicing. In the absence of RNA/functional studies, the actual effect of this sequence change is unknown.

PreventionGenetics, part of Exact Sciences
Classification: Likely benign for COL5A1-related condition. Last evaluated: 2023-01-31. Review status: no assertion criteria provided. Collection method: clinical testing. Allele origin: germline. Not counted in ClinVar's aggregate classification.
Comment: This variant is classified as likely benign based on ACMG/AMP sequence variant interpretation guidelines (Richards et al. 2015 PMID: 25741868, with internal and published modifications).